The following is an entry in ClinVar:

NM_001042492.3(NF1):c.2353G>T (p.Glu785Ter)

Gene: NF1 (neurofibromin 1; plus strand). Cytogenetic location: 17q11.2.
Variant type: single nucleotide variant.
Coding change: c.2353G>T on transcript NM_001042492.3 (MANE Select); coding-DNA position 2353, G replaced by T.
Protein change: p.Glu785Ter; replaces glutamic acid 785 with a stop codon.
Molecular consequence: nonsense.
Genome position (GRCh38, 1-based): chr17:31,227,550, G>T. VCF-style: chr17-31227550-G-T. GRCh37 (hg19) VCF-style: chr17-29554568-G-T.
Other names: c.2353G>T, p.Glu785Ter (NM_000267.4); short protein forms E785*.
Identifiers: ClinVar variation 1068657 (VCV001068657.5), dbSNP rs1597713756, ClinGen allele CA398983107.

ClinVar aggregate classification (germline): Pathogenic (1 of 4 stars; one submission).

Conditions:
Neurofibromatosis, type 1 (NF1). Also called: VON RECKLINGHAUSEN DISEASE; Peripheral type neurofibromatosis; NEUROFIBROMATOSIS, TYPE I, SOMATIC; Neurofibromatosis, type I. Identifiers: Orphanet 636, MedGen C0027831, MONDO:0018975, OMIM 162200. Disease mechanism: loss of function.

Submission:

Labcorp Genetics (formerly Invitae), Labcorp
Classification: Pathogenic for Neurofibromatosis, type 1. Last evaluated: 2020-02-11. Review status: criteria provided, single submitter. Criteria: Invitae Variant Classification Sherloc (09022015). Collection method: clinical testing. Allele origin: germline.
Comment: This sequence change creates a premature translational stop signal (p.Glu785*) in the NF1 gene. It is expected to result in an absent or disrupted protein product. This variant is not present in population databases (ExAC no frequency). This variant has not been reported in the literature in individuals with NF1-related conditions. Algorithms developed to predict the effect of sequence changes on RNA splicing suggest that this variant may create or strengthen a splice site, but this prediction has not been confirmed by published transcriptional studies. Loss-of-function variants in NF1 are known to be pathogenic (PMID: 10712197, 23913538). For these reasons, this variant has been classified as Pathogenic.

Literature cited by the submitters: PubMed 10712197; PubMed 23913538.